The following continues an entry in ClinVar:

NM_007294.4(BRCA1):c.188T>A (p.Leu63Ter)

Gene: BRCA1. ClinVar aggregate classification (germline): Pathogenic. Pathogenic (1).

Submissions 10 to 23 of 23:

GeneDx
Classification: Pathogenic. Last evaluated: 2017-05-11. Review status: criteria provided, single submitter. Criteria: GeneDx Variant Classification (06012015). Collection method: clinical testing. Allele origin: germline. Affected: yes. Not counted in ClinVar's aggregate classification.
Comment: This variant is denoted BRCA1 c.188T>A at the cDNA level and p.Leu63Ter (L63X) at the protein level. The substitution creates a nonsense variant, which changes a Leucine to a premature stop codon (TTA>TAA), and is predicted to cause loss of normal protein function through either protein truncation or nonsense-mediated mRNA decay. This variant, also reported as 307T>A using alternate nomenclature, has been reported in individuals with breast and/or ovarian cancer and is considered a Japanese pathogenic founder variant (Inoue 1995, Sekine 2001, Sugano 2008, Hirotsu 2015, Nakamura 2015). We consider BRCA1 Leu63Ter to be pathogenic.

Quest Diagnostics Nichols Institute San Juan Capistrano
Classification: Pathogenic. Last evaluated: 2017-01-21. Review status: criteria provided, single submitter. Criteria: Quest Diagnostics criteria. Collection method: clinical testing. Allele origin: germline. Not counted in ClinVar's aggregate classification.

Department of Medical Genetics, Oslo University Hospital
Classification: Pathogenic for Breast-ovarian cancer, familial, susceptibility to, 1. Last evaluated: 2016-03-22. Review status: criteria provided, single submitter. Criteria: ACMG Guidelines, 2015. Collection method: clinical testing. Allele origin: germline. Affected: yes. Observed: 1 variant allele. Not counted in ClinVar's aggregate classification.

Consortium of Investigators of Modifiers of BRCA1/2 (CIMBA), c/o University of Cambridge
Classification: Pathogenic for Breast-ovarian cancer, familial, susceptibility to, 1. Last evaluated: 2015-10-02. Review status: criteria provided, single submitter. Criteria: CIMBA Mutation Classification guidelines May 2016. Collection method: clinical testing. Allele origin: germline. Not counted in ClinVar's aggregate classification.

Clinical and Functional Genomics Group, A.C.Camargo Cancer Center
Classification: Pathogenic for Breast Cancer. Review status: criteria provided, single submitter. Criteria: Silva et al. (BMC Med Genet. 2014). Collection method: research. Allele origin: germline. Affected: yes. Not counted in ClinVar's aggregate classification.

Genesis Genomics
Classification: Pathogenic for Breast-ovarian cancer, familial, susceptibility to, 1. Review status: criteria provided, single submitter. Criteria: ACMG Guidelines, 2015. Collection method: clinical testing. Allele origin: germline. Affected: yes. Observed: 3 variant alleles. Clinical features observed: Breast cancer. Not counted in ClinVar's aggregate classification.

Laboratory for Genotyping Development, RIKEN
Classification: Pathogenic for Gastric cancer. Last evaluated: 2021-07-01. Review status: no assertion criteria provided. Collection method: research. Allele origin: germline. Not counted in ClinVar's aggregate classification.

BRCAlab, Lund University
Classification: Pathogenic for Breast-ovarian cancer, familial, susceptibility to, 1. Last evaluated: 2020-03-02. Review status: no assertion criteria provided. Collection method: clinical testing. Allele origin: germline. Affected: yes. Not counted in ClinVar's aggregate classification.

Counsyl
Classification: Pathogenic for Breast-ovarian cancer, familial, susceptibility to, 1. Last evaluated: 2018-02-14. Review status: no assertion criteria provided. Collection method: clinical testing. Allele origin: unknown. Not counted in ClinVar's aggregate classification.

Pathway Genomics
Classification: Pathogenic for Breast-ovarian cancer, familial 1. Last evaluated: 2014-07-24. Review status: no assertion criteria provided. Collection method: clinical testing. Allele origin: germline. Not counted in ClinVar's aggregate classification.
Comment: Japanese founder mutation.

Research Molecular Genetics Laboratory, Women's College Hospital, University of Toronto
Classification: Pathogenic for Hereditary breast ovarian cancer syndrome. Last evaluated: 2014-01-31. Review status: no assertion criteria provided. Collection method: research. Allele origin: germline. Affected: yes. Study: The Canadian Open Genetics Repository (COGR). Not counted in ClinVar's aggregate classification.

Sharing Clinical Reports Project (SCRP)
Classification: Pathogenic for Breast-ovarian cancer, familial 1. Last evaluated: 2011-09-12. Review status: no assertion criteria provided. Collection method: clinical testing. Allele origin: germline. Not counted in ClinVar's aggregate classification.

Breast Cancer Information Core (BIC) (BRCA1)
Classification: Pathogenic for Breast-ovarian cancer, familial 1. Last evaluated: 2004-02-20. Review status: no assertion criteria provided. Collection method: clinical testing. Allele origin: germline. Affected: yes. Observed: 6 variant alleles. Not counted in ClinVar's aggregate classification.

Brotman Baty Institute, University of Washington
No classification provided (evidence only). Condition: Breast-ovarian cancer, familial 1. Review status: no classification provided. Collection method: in vitro. Allele origin: not applicable. Functional consequence: functionally_abnormal. Not counted in ClinVar's aggregate classification.
ClinVar note: "not provided" was previously submitted as the classification for the variant. However, the classification appeared to be based only on an observation of functional data so it was converted to no classification on 2025-07-30.

Literature cited by the submitters: PubMed 20104584 (cited by Labcorp Genetics (formerly Invitae), Labcorp); PubMed 7627958 (cited by 6 submitters); PubMed 15168169 (cited by Labcorp Genetics (formerly Invitae), Labcorp and Ambry Genetics); PubMed 19016756 (cited by 3 submitters); PubMed 24249303 (cited by 7 submitters); PubMed 24884479 (cited by Labcorp Genetics (formerly Invitae), Labcorp); PubMed 25802882 (cited by Labcorp Genetics (formerly Invitae), Labcorp and Ambry Genetics); PubMed 26187060 (cited by Labcorp Genetics (formerly Invitae), Labcorp and All of Us Research Program, National Institutes of Health); PubMed 26439132 (cited by 3 submitters); PubMed 11595708 (cited by Ambry Genetics); PubMed 25525159 (cited by Ambry Genetics); PubMed 25823446 (cited by Ambry Genetics); PubMed 29339979 (cited by Ambry Genetics and All of Us Research Program, National Institutes of Health); PubMed 29348823 (cited by Ambry Genetics and All of Us Research Program, National Institutes of Health); PubMed 29360550 (cited by Ambry Genetics); PubMed 29446198 (cited by Ambry Genetics); PubMed 29907814 (cited by Ambry Genetics and All of Us Research Program, National Institutes of Health); PubMed 30209399 (cited by Ambry Genetics); PubMed 27741520 (cited by 4 submitters); PubMed 10389907 (cited by Women's Health and Genetics/Laboratory Corporation of America, LabCorp); PubMed 23469205 (cited by Clinical and Functional Genomics Group, A.C.Camargo Cancer Center); PubMed 36988593 (cited by Laboratory for Genotyping Development, RIKEN); PubMed 23364291 (cited by Pathway Genomics); PubMed 24312913 (cited by Pathway Genomics).